The following is an entry in ClinVar:

ClinVar aggregate classification (germline): Benign/Likely benign. Review status: criteria provided, multiple submitters, no conflicts (2 of 4 stars). 8 submissions from 8 submitters: Benign (5); Likely benign (3). Last evaluated 2026-04-01.

Conditions:
Inborn genetic diseases. Identifiers: MedGen C0950123, MeSH D030342.
Smith-Magenis syndrome (SMS). Also called: CHROMOSOME 17p11.2 DELETION SYNDROME. Identifiers: Orphanet 819, MedGen C0795864, MONDO:0008434, OMIM 182290.

Allele frequency attached by ClinVar (database versions not stated): 1000 Genomes Project 0.00040; 1000 Genomes Project 30x 0.00047; gnomAD 0.00053; gnomAD exomes 0.00058 and 0.00072; TOPMed 0.00062; ESP Exome Variant Server 0.00069; ExAC 0.00078.
gnomAD v4.1: 940 of 1,612,860 alleles (0.058%); highest among the groups gnomAD compares: Non-Finnish European, 0.056%; 1 homozygote.

Submissions (8):

CeGaT Center for Human Genetics Tuebingen
Classification: Likely benign. Last evaluated: 2026-04-01. Review status: criteria provided, single submitter. Criteria: CeGaT Center For Human Genetics Tuebingen Variant Classification Criteria Version 2. Collection method: clinical testing. Allele origin: germline. Affected: yes. Observed: 8 variant alleles.
Comment: RAI1: BP4, BS2

Labcorp Genetics (formerly Invitae), Labcorp
Classification: Benign. Last evaluated: 2026-01-28. Review status: criteria provided, single submitter. Criteria: Invitae Variant Classification Sherloc (09022015). Collection method: clinical testing. Allele origin: germline.

Blueprint Genetics
Classification: Likely benign. Last evaluated: 2024-11-19. Review status: criteria provided, single submitter. Criteria: ACMG Guidelines, 2015. Collection method: clinical testing. Allele origin: germline.

Department of Pathology and Laboratory Medicine, Sinai Health System
Classification: Benign for Smith-Magenis syndrome. Last evaluated: 2021-07-30. Review status: criteria provided, single submitter. Criteria: ACMG Guidelines, 2015. Collection method: research. Allele origin: germline.

GeneDx
Classification: Benign. Last evaluated: 2021-03-09. Review status: criteria provided, single submitter. Criteria: GeneDx Variant Classification Process June 2021. Collection method: clinical testing. Allele origin: germline. Affected: yes.

Ambry Genetics
Classification: Likely benign for Inborn genetic diseases. Last evaluated: 2018-05-02. Review status: criteria provided, single submitter. Criteria: Ambry Variant Classification Scheme 2023. Collection method: clinical testing. Allele origin: germline.

Eurofins Ntd Llc (ga)
Classification: Benign. Last evaluated: 2015-04-01. Review status: criteria provided, single submitter. Criteria: EGL Classification Definitions 2015. Collection method: clinical testing. Allele origin: germline. Observed: 2 variant alleles, 2 heterozygotes.

Breakthrough Genomics
Classification: Benign. Review status: criteria provided, single submitter. Criteria: ACMG Guidelines, 2015. Collection method: not provided. Allele origin: germline. Inheritance: Autosomal dominant inheritance. Affected: yes.

NM_030665.4(RAI1):c.4438A>G (p.Arg1480Gly)

Gene: RAI1 (retinoic acid induced 1; plus strand). Cytogenetic location: 17p11.2.
Variant type: single nucleotide variant.
Coding change: c.4438A>G on transcript NM_030665.4 (MANE Select); coding-DNA position 4438, A replaced by G.
Protein change: p.Arg1480Gly; replaces arginine 1480 with glycine.
Molecular consequence: missense variant.
Genome position (GRCh38, 1-based): chr17:17,797,386, A>G. VCF-style: chr17-17797386-A-G. GRCh37 (hg19) VCF-style: chr17-17700700-A-G.
Other names: short protein forms R1480G.
Identifiers: ClinVar variation 196545 (VCV000196545.43), dbSNP rs139684843, ClinGen allele CA202434.